The following is an entry in ClinVar:

NM_005219.5(DIAPH1):c.1871G>A (p.Gly624Asp)

Gene: DIAPH1 (diaphanous related formin 1; minus strand). Cytogenetic location: 5q31.3.
Variant type: single nucleotide variant.
Coding change: c.1871G>A on transcript NM_005219.5 (MANE Select); coding-DNA position 1871, G replaced by A.
Protein change: p.Gly624Asp; replaces glycine 624 with aspartic acid.
Molecular consequence: missense variant.
Genome position (GRCh38, 1-based): chr5:141,573,979, C>T on the plus strand (G>A on the coding strand, the complement: DIAPH1 is on the minus strand). VCF-style: chr5-141573979-C-T. GRCh37 (hg19) VCF-style: chr5-140953546-C-T.
Other names: c.1844G>A, p.Gly615Asp (NM_001079812.3); c.1871G>A, p.Gly624Asp (NM_001314007.2); short protein forms G615D, G624D.
Identifiers: ClinVar variation 2201477 (VCV002201477.4), dbSNP rs1329060473, ClinGen allele CA361520446.

ClinVar aggregate classification (germline): Uncertain significance (1 of 4 stars; one submission).

Conditions:
Autosomal dominant nonsyndromic hearing loss 1. Also called: DEAFNESS, AUTOSOMAL DOMINANT 1, WITH OR WITHOUT THROMBOCYTOPENIA; KONIGSMARK SYNDROME. Identifiers: Orphanet 90635, MedGen C1852282, MONDO:0007424, OMIM 124900.
Progressive microcephaly-seizures-cortical blindness-developmental delay syndrome. Also called: Seizures, cortical blindness, and microcephaly syndrome. Identifiers: Orphanet 477814, MedGen C5567650, MONDO:0014714, OMIM 616632.

Allele frequency attached by ClinVar (database versions not stated): gnomAD exomes below 0.00001; gnomAD 0.00001.
gnomAD v4.1: 8 of 1,545,280 alleles (0.00052%); highest among the groups gnomAD compares: Admixed American, 0.002%; no homozygotes.

Submission:

Labcorp Genetics (formerly Invitae), Labcorp
Classification: Uncertain significance for Progressive microcephaly-seizures-cortical blindness-developmental delay syndrome; Autosomal dominant nonsyndromic hearing loss 1. Last evaluated: 2025-08-25. Review status: criteria provided, single submitter. Criteria: Invitae Variant Classification Sherloc (09022015). Collection method: clinical testing. Allele origin: germline.
Comment: This sequence change replaces glycine, which is neutral and non-polar, with aspartic acid, which is acidic and polar, at codon 624 of the DIAPH1 protein (p.Gly624Asp). The frequency data for this variant in the population databases is considered unreliable, as metrics indicate poor data quality at this position in the gnomAD database. This variant has not been reported in the literature in individuals affected with DIAPH1-related conditions. ClinVar contains an entry for this variant (Variation ID: 2201477). An algorithm developed to predict the effect of missense changes on protein structure and function outputs the following: PolyPhen-2: "Not Available". The aspartic acid amino acid residue is found in multiple mammalian species, which suggests that this missense change does not adversely affect protein function. In summary, the available evidence is currently insufficient to determine the role of this variant in disease. Therefore, it has been classified as a Variant of Uncertain Significance.